The following is an entry in ClinVar:

NM_003901.4(SGPL1):c.1060-3C>T

Gene: SGPL1 (sphingosine-1-phosphate lyase 1; plus strand). Cytogenetic location: 10q22.1.
Variant type: single nucleotide variant.
Coding change: c.1060-3C>T on transcript NM_003901.4 (MANE Select); 3 bases into the intron before coding-DNA position 1060, C replaced by T.
Molecular consequence: intron variant.
Genome position (GRCh38, 1-based): chr10:70,873,348, C>T. VCF-style: chr10-70873348-C-T. GRCh37 (hg19) VCF-style: chr10-72633105-C-T.
Identifiers: ClinVar variation 2050885 (VCV002050885.4), dbSNP rs2492803699, ClinGen allele CA2580081789.
Genomic context (GRCh38, chr10:70,873,348, plus strand): 5'-TGGGACAAGGTCTGCCAGACAGAACTATACTCTCACTTTTCTTGTCTGCTACTTCTTCCA[C>T]AGTATGGCTATGCCCCAAAAGGCTCATCATTGGTGTTGTATAGTGACAAGAAGTACAGGA-3'

ClinVar aggregate classification (germline): Uncertain significance (1 of 4 stars; one submission).

Submission:

Labcorp Genetics (formerly Invitae), Labcorp
Classification: Uncertain significance. Last evaluated: 2024-04-16. Review status: criteria provided, single submitter. Criteria: Invitae Variant Classification Sherloc (09022015). Collection method: clinical testing. Allele origin: germline.
Comment: This sequence change falls in intron 11 of the SGPL1 gene. It does not directly change the encoded amino acid sequence of the SGPL1 protein. It affects a nucleotide within the consensus splice site. This variant is not present in population databases (gnomAD no frequency). This variant has not been reported in the literature in individuals affected with SGPL1-related conditions. ClinVar contains an entry for this variant (Variation ID: 2050885). Variants that disrupt the consensus splice site are a relatively common cause of aberrant splicing (PMID: 17576681, 9536098). Algorithms developed to predict the effect of sequence changes on RNA splicing suggest that this variant is not likely to affect RNA splicing. In summary, the available evidence is currently insufficient to determine the role of this variant in disease. Therefore, it has been classified as a Variant of Uncertain Significance.

Literature cited by the submitters: PubMed 17576681; PubMed 9536098.